The following is an entry in ClinVar:

ClinVar aggregate classification (germline): Uncertain significance (1 of 4 stars; one submission).

Submission:

GeneDx
Classification: Uncertain significance. Last evaluated: 2026-04-19. Review status: criteria provided, single submitter. Criteria: GeneDx Variant Classification Process June 2021. Collection method: clinical testing. Allele origin: germline.
Comment: Not observed at significant frequency in large population cohorts (gnomAD); In silico analysis suggests that this missense variant does not alter protein structure/function; Has not been previously published as pathogenic or benign to our knowledge

NM_000493.4(COL10A1):c.1577T>C (p.Ile526Thr)

Genes: COL10A1 (collagen type X alpha 1 chain; minus strand), NT5DC1 (5'-nucleotidase domain containing 1; plus strand). Cytogenetic location: 6q22.1.
Variant type: single nucleotide variant.
Coding change: c.1577T>C on transcript NM_000493.4 (MANE Select); coding-DNA position 1577, T replaced by C.
Protein change: p.Ile526Thr; replaces isoleucine 526 with threonine.
Molecular consequence: missense variant. On other transcripts: intron variant (1).
Genome position (GRCh38, 1-based): chr6:116,120,539, A>G on the plus strand (T>C on the coding strand, the complement: COL10A1 is on the minus strand). VCF-style: chr6-116120539-A-G. GRCh37 (hg19) VCF-style: chr6-116441702-A-G.
Other names: c.1577T>C, p.Ile526Thr (NM_001424107.1, NM_001424106.1); c.529+2594A>G (NM_152729.3); short protein forms I526T.
Identifiers: ClinVar variation 5037312 (VCV005037312.1).